The following is an entry in ClinVar:

NM_002016.2(FLG):c.7386_7389del (p.Ile2462fs)

Genes: CCDST (cervical cancer associated DHX9 suppressive transcript; plus strand), FLG (filaggrin; minus strand). Cytogenetic location: 1q21.3.
Variant type: Deletion.
Coding change: c.7386_7389del on transcript NM_002016.2 (MANE Select); coding-DNA positions 7386 to 7389, 4 bases deleted (TCAT; older notation c.7386_7389delTCAT).
Protein change: p.Ile2462fs; shifts the reading frame from isoleucine 2462.
Molecular consequence: frameshift variant.
Genome position (GRCh38, 1-based): chr1:152,307,497-152,307,500, ATGA deleted on the plus strand (TCAT on the coding strand, the reverse complement: FLG is on the minus strand); deleting any 4 consecutive bases within chr1:152,307,497-152,307,503 gives the same sequence; the c. name uses the placement nearest the transcript's 3' end. VCF-style (leftmost placement, unchanged base first): chr1-152307496-CATGA-C. GRCh37 (hg19) VCF-style: chr1-152279972-CATGA-C.
Other names: short protein forms I2462fs.
Identifiers: ClinVar variation 4911611 (VCV004911611.3).
Genomic context (GRCh38, chr1:152,307,496, plus strand): 5'-TATCTACCAATTGCTCGTAGTGGGATCCCTGCCTTCCTCCACTGCTTGACCCCGGGTGTC[CATGA>C]ATGGTGTCCTGACCCTCTTGGGACGTTGAGTGCCTGGAGCTGTCTCGTGCCTGCTTGTGG-3'

ClinVar aggregate classification (germline): Likely pathogenic. Review status: criteria provided, multiple submitters, no conflicts (2 of 4 stars). 2 submissions from 2 submitters: Likely pathogenic (2). Last evaluated 2023-09-25.

Conditions:
Dermatitis, atopic, 2. Identifiers: MedGen C1853965, MONDO:0011596, OMIM 605803.
Ichthyosis vulgaris. Also called: ICHTHYOSIS SIMPLEX; Dominant ichthyosis vulgaris. Identifiers: MedGen C0079584, MONDO:0024304, OMIM 146700.
FLG-related disorder. Also called: FLG-related condition; FLG-related disorders.

Submissions (2):

Blueprint Genetics
Classification: Likely pathogenic for FLG-related disorders. Last evaluated: 2023-09-25. Review status: criteria provided, single submitter. Criteria: ACMG Guidelines, 2015. Collection method: clinical testing. Allele origin: germline. Affected: yes. Observed: 1 variant allele.

Juno Genomics, Hangzhou Juno Genomics, Inc
Classification: Likely pathogenic for Dermatitis, atopic, 2; Ichthyosis vulgaris. Review status: criteria provided, single submitter. Criteria: ACMG Guidelines, 2015. Collection method: clinical testing. Allele origin: germline.
Comment: Absent from controls (or at extremely low frequency if recessive) in Genome Aggregation Database.;Null variant in a gene where loss of function (LOF) is a known mechanism of disease.;Patient's phenotype or family history is highly specific for a disease with a single genetic etiology.